The following is an entry in ClinVar:

ClinVar aggregate classification (germline): Pathogenic (1 of 4 stars; one submission).

Allele frequency attached by ClinVar (database versions not stated): ExAC 0.00001.
gnomAD v4.1: 1 of 1,611,256 alleles (0.000062%); highest among the groups gnomAD compares: South Asian, 0.0011%; no homozygotes.

Submission:

Labcorp Genetics (formerly Invitae), Labcorp
Classification: Pathogenic. Last evaluated: 2023-01-16. Review status: criteria provided, single submitter. Criteria: Invitae Variant Classification Sherloc (09022015). Collection method: clinical testing. Allele origin: germline.
Comment: This variant has not been reported in the literature in individuals affected with NDUFS7-related conditions. The frequency data for this variant in the population databases is considered unreliable, as metrics indicate poor data quality at this position in the gnomAD database. This sequence change creates a premature translational stop signal (p.Cys89*) in the NDUFS7 gene. It is expected to result in an absent or disrupted protein product. Loss-of-function variants in NDUFS7 are known to be pathogenic (PMID: 17604671). For these reasons, this variant has been classified as Pathogenic.

Literature cited by the submitters: PubMed 17604671.

NM_024407.5(NDUFS7):c.267C>A (p.Cys89Ter)

Gene: NDUFS7 (NADH:ubiquinone oxidoreductase core subunit S7; plus strand). Cytogenetic location: 19p13.3.
Variant type: single nucleotide variant.
Coding change: c.267C>A on transcript NM_024407.5 (MANE Select); coding-DNA position 267, C replaced by A.
Protein change: p.Cys89Ter; replaces cysteine 89 with a stop codon.
Molecular consequence: nonsense.
Genome position (GRCh38, 1-based): chr19:1,390,909, C>A. VCF-style: chr19-1390909-C-A. GRCh37 (hg19) VCF-style: chr19-1390908-C-A.
Other names: c.267C>A, p.Cys89Ter (NM_001363602.2); short protein forms C89*.
Identifiers: ClinVar variation 2829143 (VCV002829143.3), dbSNP rs768892512, ClinGen allele CA9043326.